The following is an entry in ClinVar:

ClinVar aggregate classification (germline): Uncertain significance. Review status: criteria provided, multiple submitters, no conflicts (2 of 4 stars). 4 submissions from 4 submitters: Uncertain significance (4). Last evaluated 2024-12-30.

Conditions:
Hereditary cancer-predisposing syndrome. Also called: Neoplastic Syndromes, Hereditary; Tumor predisposition; Hereditary neoplastic syndrome; Hereditary Cancer Syndrome. Identifiers: Orphanet 140162, MedGen C0027672, MeSH D009386, MONDO:0015356.
Familial adenomatous polyposis 1 (FAP1). Also called: FAMILIAL ADENOMATOUS POLYPOSIS 1, ATTENUATED; POLYPOSIS, ADENOMATOUS INTESTINAL. Identifiers: MedGen C2713442, MONDO:0021056, OMIM 175100. Disease mechanism: loss of function.

Allele frequency attached by ClinVar (database versions not stated): gnomAD exomes below 0.00001; TOPMed below 0.00001; gnomAD 0.00001.
gnomAD v4.1: 3 of 1,598,676 alleles (0.00019%); highest among the groups gnomAD compares: Non-Finnish European, 0.00017%; no homozygotes.

Submissions (4):

Ambry Genetics
Classification: Uncertain significance for Hereditary cancer-predisposing syndrome. Last evaluated: 2024-12-30. Review status: criteria provided, single submitter. Criteria: Ambry Variant Classification Scheme 2023. Collection method: clinical testing. Allele origin: germline.
Comment: The p.G277A variant (also known as c.830G>C), located in coding exon 7 of the APC gene, results from a G to C substitution at nucleotide position 830. The glycine at codon 277 is replaced by alanine, an amino acid with similar properties. This amino acid position is not well conserved in available vertebrate species. In addition, in silico predictors for this gene do not accurately predict pathogenicity. Based on the available evidence, the clinical significance of this variant remains unclear.

Labcorp Genetics (formerly Invitae), Labcorp
Classification: Uncertain significance for Familial adenomatous polyposis 1. Last evaluated: 2024-10-06. Review status: criteria provided, single submitter. Criteria: Invitae Variant Classification Sherloc (09022015). Collection method: clinical testing. Allele origin: germline.
Comment: This sequence change replaces glycine, which is neutral and non-polar, with alanine, which is neutral and non-polar, at codon 277 of the APC protein (p.Gly277Ala). This variant is not present in population databases (gnomAD no frequency). This variant has not been reported in the literature in individuals affected with APC-related conditions. ClinVar contains an entry for this variant (Variation ID: 643920). Invitae Evidence Modeling of protein sequence and biophysical properties (such as structural, functional, and spatial information, amino acid conservation, physicochemical variation, residue mobility, and thermodynamic stability) indicates that this missense variant is not expected to disrupt APC protein function with a negative predictive value of 95%. In summary, the available evidence is currently insufficient to determine the role of this variant in disease. Therefore, it has been classified as a Variant of Uncertain Significance.

Sema4
Classification: Uncertain significance for Hereditary cancer-predisposing syndrome. Last evaluated: 2021-11-12. Review status: criteria provided, single submitter. Criteria: Sema4 Curation Guidelines. Collection method: curation. Allele origin: germline.
Comment: The APC c.830G>C (p.G277A) variant has not been reported in the literature to our knowledge. It was not observed in the large and broad cohorts of the Genome Aggregation Database (PMID: 32461654). This variant has been reported in ClinVar (Variation ID 643920). Functional studies have not been performed, and in silico predictions of the variant's effect on protein function are inconclusive. The evidence is insufficient to meet ACMG/AMP criteria for classifying the variant as benign or pathogenic. Thus, the clinical significance of this variant is currently uncertain.

Quest Diagnostics Nichols Institute San Juan Capistrano
Classification: Uncertain significance. Last evaluated: 2020-04-23. Review status: criteria provided, single submitter. Criteria: Quest Diagnostics criteria. Collection method: clinical testing. Allele origin: unknown.

NM_000038.6(APC):c.830G>C (p.Gly277Ala)

Gene: APC (APC regulator of Wnt signaling pathway; plus strand). Cytogenetic location: 5q22.2.
Variant type: single nucleotide variant.
Coding change: c.830G>C on transcript NM_000038.6 (MANE Select); coding-DNA position 830, G replaced by C.
Protein change: p.Gly277Ala; replaces glycine 277 with alanine.
Molecular consequence: missense variant. On other transcripts: 5 prime UTR variant (1).
Genome position (GRCh38, 1-based): chr5:112,801,379, G>C. VCF-style: chr5-112801379-G-C. GRCh37 (hg19) VCF-style: chr5-112137076-G-C.
Other names: c.830G>C, p.Gly277Ala (NM_001127510.3, NM_001354895.2, NM_001354896.2 and 1 more transcripts); c.776G>C, p.Gly259Ala (NM_001127511.3); c.860G>C, p.Gly287Ala (NM_001354897.2, NM_001354902.2); c.755G>C, p.Gly252Ala (NM_001354898.2, NM_001354904.2); c.746G>C, p.Gly249Ala (NM_001354899.2); c.653G>C, p.Gly218Ala (NM_001354900.2, NM_001354901.2, NM_001354905.2); c.-206G>C (NM_001354906.2); short protein forms G259A, G287A, G249A, G218A, G252A, G277A.
Identifiers: ClinVar variation 643920 (VCV000643920.16), dbSNP rs1580455530, ClinGen allele CA16023144.